The following is an entry in ClinVar:

ClinVar aggregate classification (germline): Likely benign (1 of 4 stars; one submission).

Allele frequency attached by ClinVar (database versions not stated): ExAC 0.00086; ESP Exome Variant Server 0.00146; 1000 Genomes Project 30x 0.00172; 1000 Genomes Project 0.00180; gnomAD 0.00196; TOPMed 0.00233.
gnomAD v4.1: 805 of 1,614,108 alleles (0.05%); highest among the groups gnomAD compares: African/African-American, 0.53%; 5 homozygotes.

Submission:

CeGaT Center for Human Genetics Tuebingen
Classification: Likely benign. Last evaluated: 2022-04-01. Review status: criteria provided, single submitter. Criteria: CeGaT Center For Human Genetics Tuebingen Variant Classification Criteria Version 2. Collection method: clinical testing. Allele origin: germline. Affected: yes. Observed: 1 variant allele.
Comment: AKAP1: BP4, BP7

NM_003488.4(AKAP1):c.177C>T (p.Pro59=)

Gene: AKAP1 (A-kinase anchoring protein 1; plus strand). Cytogenetic location: 17q22.
Variant type: single nucleotide variant.
Coding change: c.177C>T on transcript NM_003488.4 (MANE Select); coding-DNA position 177, C replaced by T.
Protein change: p.Pro59=; no amino-acid change (proline 59 retained).
Molecular consequence: synonymous variant.
Genome position (GRCh38, 1-based): chr17:57,105,641, C>T. VCF-style: chr17-57105641-C-T. GRCh37 (hg19) VCF-style: chr17-55183002-C-T.
Other names: c.177C>T, p.Pro59= (NM_001242902.2, NM_001242903.2, NM_001370423.1 and 4 more transcripts).
Identifiers: ClinVar variation 2647950 (VCV002647950.24), dbSNP rs146969737, ClinGen allele CA8665444.